The following is an entry in ClinVar:

NM_001370466.1(NOD2):c.3002T>C (p.Val1001Ala)

Genes: CYLD-AS1 (CYLD antisense RNA 1; minus strand), NOD2 (nucleotide binding oligomerization domain containing 2; plus strand). Cytogenetic location: 16q12.1.
Variant type: single nucleotide variant.
Coding change: c.3002T>C on transcript NM_001370466.1 (MANE Select); coding-DNA position 3002, T replaced by C.
Protein change: p.Val1001Ala; replaces valine 1001 with alanine.
Molecular consequence: missense variant. On other transcripts: non-coding transcript variant (1).
Genome position (GRCh38, 1-based): chr16:50,731,779, T>C. VCF-style: chr16-50731779-T-C. GRCh37 (hg19) VCF-style: chr16-50765690-T-C.
Other names: c.3002T>C, p.Val1001Ala (NM_001293557.2); c.3083T>C, p.Val1028Ala (NM_022162.3); short protein forms V1028A, V1001A.
Identifiers: ClinVar variation 2933406 (VCV002933406.3), dbSNP rs752941888, ClinGen allele CA281285162.

ClinVar aggregate classification (germline): Uncertain significance (1 of 4 stars; one submission).

Conditions:
Regional enteritis. Also called: Enteritis, Granulomatous. Identifiers: MedGen C0678202, MeSH D003424.
Blau syndrome (BLAUS). Also called: ARTHROCUTANEOUVEAL GRANULOMATOSIS; GRANULOMATOSIS, FAMILIAL JUVENILE SYSTEMIC; GRANULOMATOSIS, FAMILIAL, BLAU TYPE; GRANULOMATOUS INFLAMMATORY ARTHRITIS, DERMATITIS, AND UVEITIS, FAMILIAL; JABS SYNDROME. Identifiers: Orphanet 90340, MedGen C5201146, MONDO:0008523, OMIM 186580.

Allele frequency attached by ClinVar (database versions not stated): gnomAD exomes below 0.00001; TOPMed 0.00001.
gnomAD v4.1: 3 of 1,613,870 alleles (0.00019%); highest among the groups gnomAD compares: South Asian, 0.0011%; no homozygotes.

Submission:

Labcorp Genetics (formerly Invitae), Labcorp
Classification: Uncertain significance for Regional enteritis; Blau syndrome. Last evaluated: 2025-10-12. Review status: criteria provided, single submitter. Criteria: Invitae Variant Classification Sherloc (09022015). Collection method: clinical testing. Allele origin: germline.
Comment: This sequence change replaces valine, which is neutral and non-polar, with alanine, which is neutral and non-polar, at codon 1028 of the NOD2 protein (p.Val1028Ala). This variant is not present in population databases (gnomAD no frequency). This variant has not been reported in the literature in individuals affected with NOD2-related conditions. ClinVar contains an entry for this variant (Variation ID: 2933406). Invitae Evidence Modeling of protein sequence and biophysical properties (such as structural, functional, and spatial information, amino acid conservation, physicochemical variation, residue mobility, and thermodynamic stability) indicates that this missense variant is not expected to disrupt NOD2 protein function with a negative predictive value of 95%. In summary, the available evidence is currently insufficient to determine the role of this variant in disease. Therefore, it has been classified as a Variant of Uncertain Significance.